The following is an entry in ClinVar:

NM_000059.4(BRCA2):c.4930G>C (p.Glu1644Gln)

Gene: BRCA2 (BRCA2 DNA repair associated; plus strand). Cytogenetic location: 13q13.1.
Variant type: single nucleotide variant.
Coding change: c.4930G>C on transcript NM_000059.4 (MANE Select); coding-DNA position 4930, G replaced by C.
Protein change: p.Glu1644Gln; replaces glutamic acid 1644 with glutamine.
Molecular consequence: missense variant.
Genome position (GRCh38, 1-based): chr13:32,339,285, G>C. VCF-style: chr13-32339285-G-C. GRCh37 (hg19) VCF-style: chr13-32913422-G-C.
Other names: short protein forms E1644Q.
Identifiers: ClinVar variation 441348 (VCV000441348.22), dbSNP rs1555283989, ClinGen allele CA387783657.

ClinVar aggregate classification (germline): Conflicting classifications of pathogenicity. Review status: criteria provided, conflicting classifications (1 of 4 stars). 4 submissions from 4 submitters: Uncertain significance (3); Likely benign (1). Last evaluated 2025-10-24.

Conditions:
Hereditary cancer-predisposing syndrome. Also called: Hereditary Cancer Syndrome; Hereditary neoplastic syndrome; Neoplastic Syndromes, Hereditary; Tumor predisposition. Identifiers: Orphanet 140162, MedGen C0027672, MeSH D009386, MONDO:0015356.
Hereditary breast ovarian cancer syndrome. Also called: Hereditary breast and ovarian cancer; Breast and ovarian cancer; Hereditary breast and ovarian cancer syndrome; Hereditary breast and/or ovarian cancer syndrome; BRCA1- and BRCA2-Associated Hereditary Breast and Ovarian Cancer; Hereditary breast and ovarian cancer syndrome (HBOC). Identifiers: Orphanet 145, MedGen C0677776, MeSH D061325, MONDO:0003582. Disease mechanism: loss of function.

Allele frequency attached by ClinVar (database versions not stated): gnomAD 0.00001.
gnomAD v4.1: 2 of 1,606,460 alleles (0.00012%); highest among the groups gnomAD compares: Admixed American, 0.0017%; no homozygotes.

Submissions (4):

Labcorp Genetics (formerly Invitae), Labcorp
Classification: Uncertain significance for Hereditary breast ovarian cancer syndrome. Last evaluated: 2025-10-24. Review status: criteria provided, single submitter. Criteria: Invitae Variant Classification Sherloc (09022015). Collection method: clinical testing. Allele origin: germline.
Comment: This sequence change replaces glutamic acid, which is acidic and polar, with glutamine, which is neutral and polar, at codon 1644 of the BRCA2 protein (p.Glu1644Gln). This variant is not present in population databases (gnomAD no frequency). This variant has not been reported in the literature in individuals affected with BRCA2-related conditions. ClinVar contains an entry for this variant (Variation ID: 441348). Invitae Evidence Modeling of protein sequence and biophysical properties (such as structural, functional, and spatial information, amino acid conservation, physicochemical variation, residue mobility, and thermodynamic stability) indicates that this missense variant is not expected to disrupt BRCA2 protein function with a negative predictive value of 95%. In summary, the available evidence is currently insufficient to determine the role of this variant in disease. Therefore, it has been classified as a Variant of Uncertain Significance.

Ambry Genetics
Classification: Uncertain significance for Hereditary cancer-predisposing syndrome. Last evaluated: 2024-05-27. Review status: criteria provided, single submitter. Criteria: Ambry Variant Classification Scheme 2023. Collection method: clinical testing. Allele origin: germline.
Comment: The p.E1644Q variant (also known as c.4930G>C), located in coding exon 10 of the BRCA2 gene, results from a G to C substitution at nucleotide position 4930. The glutamic acid at codon 1644 is replaced by glutamine, an amino acid with highly similar properties. This amino acid position is not well conserved in available vertebrate species. In addition, this alteration is predicted to be tolerated by in silico analysis. Based on the available evidence, the clinical significance of this variant remains unclear.

University of Washington Department of Laboratory Medicine, University of Washington
Classification: Likely benign for Hereditary cancer-predisposing syndrome. Last evaluated: 2023-03-23. Review status: criteria provided, single submitter. Criteria: Dines et al. (Genet Med. 2020). Collection method: curation. Allele origin: germline.
Comment: Missense variant in a coldspot region where missense variants are very unlikely to be pathogenic (PMID:31911673).

BRCA2 exon 11 coldspot. Reclassification based on statistical prior probability.

Color Diagnostics, LLC DBA Color Health
Classification: Uncertain significance for Hereditary cancer-predisposing syndrome. Last evaluated: 2022-05-11. Review status: criteria provided, single submitter. Criteria: ACMG Guidelines, 2015. Collection method: clinical testing. Allele origin: germline.
Comment: This missense variant replaces glutamic acid with glutamine at codon 1644 of the BRCA2 protein. Computational prediction suggests that this variant may not impact protein structure and function (internally defined REVEL score threshold <= 0.5, PMID: 27666373). To our knowledge, functional studies have not been reported for this variant. This variant has been reported in 1 individual affected with breast cancer and in 1 unaffected individual (doi: 10.15761/COGRM.1000326, PMID: 33471991; Leiden Open Variation Database DB-ID BRCA2_008272). This variant has not been identified in the general population by the Genome Aggregation Database (gnomAD). The available evidence is insufficient to determine the role of this variant in disease conclusively. Therefore, this variant is classified as a Variant of Uncertain Significance.